The following is an entry in ClinVar:

NM_004304.5(ALK):c.4601G>C (p.Gly1534Ala)

Gene: ALK (ALK receptor tyrosine kinase; minus strand). Cytogenetic location: 2p23.2.
Variant type: single nucleotide variant.
Coding change: c.4601G>C on transcript NM_004304.5 (MANE Select); coding-DNA position 4601, G replaced by C.
Protein change: p.Gly1534Ala; replaces glycine 1534 with alanine.
Molecular consequence: missense variant.
Genome position (GRCh38, 1-based): chr2:29,193,486, C>G on the plus strand (G>C on the coding strand, the complement: ALK is on the minus strand). VCF-style: chr2-29193486-C-G. GRCh37 (hg19) VCF-style: chr2-29416352-C-G.
Other names: c.1397G>C, p.Gly466Ala (NM_001353765.2); c.4601G>C (NM_004304.4); short protein forms G1534A, G466A.
Identifiers: ClinVar variation 1043855 (VCV001043855.10), dbSNP rs139185626, ClinGen allele CA346460625.

ClinVar aggregate classification (germline): Uncertain significance. Review status: criteria provided, multiple submitters, no conflicts (2 of 4 stars). 2 submissions from 2 submitters: Uncertain significance (2). Last evaluated 2025-02-10.

Conditions:
Neuroblastoma, susceptibility to, 3. Also called: ALK-Related Neuroblastic Tumor Susceptibility. Identifiers: Orphanet 635, MedGen C2751681, MONDO:0013083, OMIM 613014.
Hereditary cancer-predisposing syndrome. Also called: Hereditary neoplastic syndrome; Neoplastic Syndromes, Hereditary; Tumor predisposition; Hereditary Cancer Syndrome. Identifiers: Orphanet 140162, MedGen C0027672, MeSH D009386, MONDO:0015356.

gnomAD v4.1: 1 of 1,614,180 alleles (0.000062%); highest among the groups gnomAD compares: Admixed American, 0.0017%; no homozygotes.

Submissions (2):

Labcorp Genetics (formerly Invitae), Labcorp
Classification: Uncertain significance for Neuroblastoma, susceptibility to, 3. Last evaluated: 2025-02-10. Review status: criteria provided, single submitter. Criteria: Invitae Variant Classification Sherloc (09022015). Collection method: clinical testing. Allele origin: germline.
Comment: This sequence change replaces glycine, which is neutral and non-polar, with alanine, which is neutral and non-polar, at codon 1534 of the ALK protein (p.Gly1534Ala). This variant is present in population databases (no rsID available, gnomAD 0.003%). This variant has not been reported in the literature in individuals affected with ALK-related conditions. ClinVar contains an entry for this variant (Variation ID: 1043855). An algorithm developed to predict the effect of missense changes on protein structure and function outputs the following: PolyPhen-2: "Benign". The alanine amino acid residue is found in multiple mammalian species, which suggests that this missense change does not adversely affect protein function. In summary, the available evidence is currently insufficient to determine the role of this variant in disease. Therefore, it has been classified as a Variant of Uncertain Significance.

Ambry Genetics
Classification: Uncertain significance for Hereditary cancer-predisposing syndrome. Last evaluated: 2023-04-13. Review status: criteria provided, single submitter. Criteria: Ambry Variant Classification Scheme 2023. Collection method: clinical testing. Allele origin: germline.
Comment: The p.G1534A variant (also known as c.4601G>C), located in coding exon 29 of the ALK gene, results from a G to C substitution at nucleotide position 4601. The glycine at codon 1534 is replaced by alanine, an amino acid with similar properties. This amino acid position is conserved. In addition, this alteration is predicted to be tolerated by in silico analysis. Since supporting evidence is limited at this time, the clinical significance of this alteration remains unclear.